The following is an entry in ClinVar:

NM_130466.4(UBE3B):c.3015+4C>T

Gene: UBE3B (ubiquitin protein ligase E3B; plus strand). Cytogenetic location: 12q24.11.
Variant type: single nucleotide variant.
Coding change: c.3015+4C>T on transcript NM_130466.4 (MANE Select); 4 bases into the intron after coding-DNA position 3015, C replaced by T.
Molecular consequence: intron variant.
Genome position (GRCh38, 1-based): chr12:109,533,562, C>T. VCF-style: chr12-109533562-C-T. GRCh37 (hg19) VCF-style: chr12-109971367-C-T.
Other names: c.3015+4C>T (NM_183415.3, NM_130466.2).
Identifiers: ClinVar variation 1028545 (VCV001028545.7), dbSNP rs1333719194, ClinGen allele CA481866209.

ClinVar aggregate classification (germline): Uncertain significance. Review status: criteria provided, multiple submitters, no conflicts (2 of 4 stars). 3 submissions from 3 submitters: Uncertain significance (3). Last evaluated 2024-10-16.

Conditions:
Oculocerebrofacial syndrome, Kaufman type. Also called: Blepharophimosis-ptosis-intellectual disability syndrome. Identifiers: Orphanet 2707, MedGen C1855663, MONDO:0009485, OMIM 244450.
Inborn genetic diseases. Identifiers: MedGen C0950123, MeSH D030342.

Allele frequency attached by ClinVar (database versions not stated): gnomAD exomes 0.00002; gnomAD 0.00003.
gnomAD v4.1: 18 of 1,612,134 alleles (0.0011%); highest among the groups gnomAD compares: Admixed American, 0.03%; no homozygotes.

Submissions (3):

Labcorp Genetics (formerly Invitae), Labcorp
Classification: Uncertain significance. Last evaluated: 2024-10-16. Review status: criteria provided, single submitter. Criteria: Invitae Variant Classification Sherloc (09022015). Collection method: clinical testing. Allele origin: germline.
Comment: This sequence change falls in intron 27 of the UBE3B gene. It does not directly change the encoded amino acid sequence of the UBE3B protein. It affects a nucleotide within the consensus splice site. This variant is present in population databases (no rsID available, gnomAD 0.01%). This variant has not been reported in the literature in individuals affected with UBE3B-related conditions. ClinVar contains an entry for this variant (Variation ID: 1028545). Variants that disrupt the consensus splice site are a relatively common cause of aberrant splicing (PMID: 17576681, 9536098). Algorithms developed to predict the effect of sequence changes on RNA splicing suggest that this variant is not likely to affect RNA splicing. In summary, the available evidence is currently insufficient to determine the role of this variant in disease. Therefore, it has been classified as a Variant of Uncertain Significance.

Ambry Genetics
Classification: Uncertain significance for Inborn genetic diseases. Last evaluated: 2020-12-29. Review status: criteria provided, single submitter. Criteria: Ambry Variant Classification Scheme 2023. Collection method: clinical testing. Allele origin: germline.
Comment: The c.3015+4C>T intronic alteration consists of a C to T substitution 4 nucleotides after exon 27 (coding exon 25) of the UBE3B gene. Based on insufficient or conflicting evidence, the clinical significance of this alteration remains unclear.

Baylor Genetics
Classification: Uncertain significance for Oculocerebrofacial syndrome, Kaufman type. Last evaluated: 2019-03-23. Review status: criteria provided, single submitter. Criteria: ACMG Guidelines, 2015. Collection method: clinical testing. Allele origin: unknown. Affected: yes.
Comment: This variant was determined to be of uncertain significance according to ACMG Guidelines, 2015 [PMID:25741868].

Literature cited by the submitters: PubMed 17576681 (cited by Labcorp Genetics (formerly Invitae), Labcorp); PubMed 9536098 (cited by Labcorp Genetics (formerly Invitae), Labcorp).